The following is an entry in ClinVar:

ClinVar aggregate classification (germline): Uncertain significance (1 of 4 stars; one submission).

Submission:

Athena Diagnostics
Classification: Uncertain significance. Last evaluated: 2023-05-11. Review status: criteria provided, single submitter. Criteria: Athena Diagnostics Criteria. Collection method: clinical testing. Allele origin: unknown.
Comment: Available data are insufficient to determine the clinical significance of the variant at this time. This variant has not been reported in large, multi-ethnic general populations. Computational tools disagree on the variant's effect on normal protein function.

NM_001378452.1(ITPR1):c.5087G>A (p.Arg1696Lys)

Genes: BRRIAR (BHLHE40 and RIG-I regulating ITPR1 antisense RNA; minus strand), ITPR1 (inositol 1,4,5-trisphosphate receptor type 1; plus strand). Cytogenetic location: 3p26.1.
Variant type: single nucleotide variant.
Coding change: c.5087G>A on transcript NM_001378452.1 (MANE Select); coding-DNA position 5087, G replaced by A.
Protein change: p.Arg1696Lys; replaces arginine 1696 with lysine.
Molecular consequence: missense variant.
Genome position (GRCh38, 1-based): chr3:4,711,852, G>A. VCF-style: chr3-4711852-G-A. GRCh37 (hg19) VCF-style: chr3-4753536-G-A.
Other names: c.5060G>A, p.Arg1687Lys (NM_001099952.4); c.5042G>A, p.Arg1681Lys (NM_001168272.2); c.5015G>A, p.Arg1672Lys (NM_002222.7); short protein forms R1672K, R1681K, R1687K, R1696K.
Identifiers: ClinVar variation 2684240 (VCV002684240.1), dbSNP rs2469884631, ClinGen allele CA351636796.